The following is an entry in ClinVar:

NM_080425.4(GNAS):c.1682G>A (p.Arg561His)

Gene: GNAS (GNAS complex locus; plus strand). Cytogenetic location: 20q13.32.
Variant type: single nucleotide variant.
Coding change: c.1682G>A on transcript NM_080425.4 (MANE Plus Clinical); coding-DNA position 1682, G replaced by A.
Protein change: p.Arg561His; replaces arginine 561 with histidine.
Molecular consequence: missense variant. On other transcripts: intron variant (3).
Genome position (GRCh38, 1-based): chr20:58,854,947, G>A. VCF-style: chr20-58854947-G-A. GRCh37 (hg19) VCF-style: chr20-57430002-G-A.
Other names: c.1495G>A, p.Ala499Thr (NM_001077490.3, NM_001309883.1); c.1682G>A, p.Arg561His (NM_001410913.1); c.*42+14061G>A (NM_016592.5); c.43+14061G>A (NM_001410912.1); c.-39+13072G>A (NM_001309861.2); short protein forms A499T, R561H.
Identifiers: ClinVar variation 2634257 (VCV002634257.1), dbSNP rs553453544, ClinGen allele CA9926737.

ClinVar aggregate classification (germline): Uncertain significance (1 of 4 stars; one submission).

Conditions:
GNAS-related disorder. Identifiers: MedGen CN380105.

gnomAD v4.1: 4 of 1,607,598 alleles (0.00025%); highest among the groups gnomAD compares: Non-Finnish European, 0.00034%; no homozygotes.

Submission:

PreventionGenetics, part of Exact Sciences
Classification: Uncertain significance for GNAS-related condition. Last evaluated: 2023-03-09. Review status: criteria provided, single submitter. Criteria: ACMG Guidelines, 2015. Collection method: clinical testing. Allele origin: germline.
Comment: The GNAS c.1682G>A variant is predicted to result in the amino acid substitution p.Arg561His. To our knowledge, this variant has not been reported in the literature. This variant is reported in 0.00099% of alleles in individuals of European (Non-Finnish) descent in gnomAD. At this time, the clinical significance of this variant is uncertain due to the absence of conclusive functional and genetic evidence.